The following is an entry in ClinVar:

NM_001080449.3(DNA2):c.413G>T (p.Arg138Ile)

Gene: DNA2 (DNA replication helicase/nuclease 2; minus strand). Cytogenetic location: 10q21.3.
Variant type: single nucleotide variant.
Coding change: c.413G>T on transcript NM_001080449.3 (MANE Select); coding-DNA position 413, G replaced by T.
Protein change: p.Arg138Ile; replaces arginine 138 with isoleucine.
Molecular consequence: missense variant. On other transcripts: non-coding transcript variant (1).
Genome position (GRCh38, 1-based): chr10:68,468,151, C>A on the plus strand (G>T on the coding strand, the complement: DNA2 is on the minus strand). VCF-style: chr10-68468151-C-A. GRCh37 (hg19) VCF-style: chr10-70227908-C-A.
Other names: short protein forms R138I.
Identifiers: ClinVar variation 3770110 (VCV003770110.2).
Genomic context (GRCh38, chr10:68,468,151, plus strand): 5'-CTGCAGAAACATTAACTGTTACTATTATTTACCCTAAAAGTTTCACTCAGGACAGCTCTT[C>A]TCATACATCGAATACTACTGGCTATGCTGGTGCCAGAAATCAGCATGTCTGGATACAGAA-3'
Protein context (NP_001073918.2, residues 128-148): TSIASSIRCM[Arg138Ile]RAVLSETFRS

ClinVar aggregate classification (germline): Uncertain significance (1 of 4 stars; one submission).

Submission:

GeneDx
Classification: Uncertain significance. Last evaluated: 2025-06-04. Review status: criteria provided, single submitter. Criteria: GeneDx Variant Classification Process June 2021. Collection method: clinical testing. Allele origin: germline.
Comment: Not observed at significant frequency in large population cohorts (gnomAD); In silico analysis supports that this missense variant has a deleterious effect on protein structure/function; Has not been previously published as pathogenic or benign to our knowledge